The following is an entry in ClinVar:

ClinVar aggregate classification (germline): Uncertain significance. Review status: criteria provided, multiple submitters, no conflicts (2 of 4 stars). 5 submissions from 4 submitters: Uncertain significance (4). 1 of the submissions does not count toward it. Last evaluated 2024-11-26.

Conditions:
POMC-related disorder. Also called: POMC-related disorders; POMC-related condition.
Obesity. Also called: Obesity disorder. Identifiers: Orphanet 71529, MedGen C0028754, MeSH D009765, MONDO:0011122, HP:0001513.
Obesity due to pro-opiomelanocortin deficiency. Also called: PROOPIOMELANOCORTIN DEFICIENCY; Obesity, adrenal insufficiency, and red hair due to POMC deficiency; OBESITY, EARLY-ONSET, WITH ADRENAL INSUFFICIENCY AND RED HAIR. Identifiers: Orphanet 71526, MedGen C1857854, MONDO:0012335, OMIM 609734.

Allele frequency attached by ClinVar (database versions not stated): TOPMed 0.00023; ESP Exome Variant Server 0.00047; gnomAD 0.00019.
gnomAD v4.1: 649 of 1,609,886 alleles (0.04%); highest among the groups gnomAD compares: Non-Finnish European, 0.05%; 1 homozygote.

Submissions (5):

Blueprint Genetics
Classification: Uncertain significance. Last evaluated: 2024-11-26. Review status: criteria provided, single submitter. Criteria: ACMG Guidelines, 2015. Collection method: clinical testing. Allele origin: germline.

GeneDx
Classification: Uncertain significance. Last evaluated: 2024-07-01. Review status: criteria provided, single submitter. Criteria: GeneDx Variant Classification Process June 2021. Collection method: clinical testing. Allele origin: germline. Affected: yes.
Comment: In silico analysis supports that this missense variant has a deleterious effect on protein structure/function; This variant is associated with the following publications: (PMID: 17578380, 16459314, 19221669)

Illumina Laboratory Services, Illumina
Classification: Uncertain significance for Inherited obesity. Last evaluated: 2017-04-28. Review status: criteria provided, single submitter. Criteria: ICSL Variant Classification Criteria 13 December 2019. Collection method: clinical testing. Allele origin: germline.
Comment: This variant was observed as part of a predisposition screen in an ostensibly healthy population. A literature search was performed for the gene, cDNA change, and amino acid change (where applicable). Publications were found based on this search. However, the evidence from the literature, in combination with allele frequency data from public databases where available, was not sufficient to rule this variant in or out of causing disease. Therefore, this variant is classified as a variant of unknown significance.

Illumina Laboratory Services, Illumina
Classification: Uncertain significance for Obesity due to pro-opiomelanocortin deficiency. Last evaluated: 2017-04-28. Review status: criteria provided, single submitter. Criteria: ICSL Variant Classification Criteria 13 December 2019. Collection method: clinical testing. Allele origin: germline.

PreventionGenetics, part of Exact Sciences
Classification: Uncertain significance for POMC-related condition. Last evaluated: 2024-08-22. Review status: no assertion criteria provided. Collection method: clinical testing. Allele origin: germline. Not counted in ClinVar's aggregate classification.
Comment: The POMC c.429C>G variant is predicted to result in the amino acid substitution p.His143Gln. This variant has been reported in the heterozygous state in one individual with obesity but was also reported in one control individual (Lee et al. 2006. PubMed ID: 16459314). It was also observed in a cohort of individuals with obesity, and in vitro functional studies show strong evidence of loss of function (Table 3 and Supplemental Data Set, Shah et al. 2023. PubMed ID: 36864747). This variant is reported in 0.033% of alleles in individuals of European (non-Finnish) descent in gnomAD. Although we suspect that this variant may be pathogenic, at this time, the clinical significance of this variant is uncertain due to the absence of conclusive functional and genetic evidence.

Literature cited by the submitters: PubMed 19221669 (cited by Illumina Laboratory Services, Illumina); PubMed 23293326 (cited by Illumina Laboratory Services, Illumina); PubMed 16459314 (cited by Illumina Laboratory Services, Illumina).

NM_000939.4(POMC):c.429C>G (p.His143Gln)

Gene: POMC (proopiomelanocortin; minus strand). Cytogenetic location: 2p23.3.
Variant type: single nucleotide variant.
Coding change: c.429C>G on transcript NM_000939.4 (MANE Select); coding-DNA position 429, C replaced by G.
Protein change: p.His143Gln; replaces histidine 143 with glutamine.
Molecular consequence: missense variant.
Genome position (GRCh38, 1-based): chr2:25,161,456, G>C on the plus strand (C>G on the coding strand, the complement: POMC is on the minus strand). VCF-style: chr2-25161456-G-C. GRCh37 (hg19) VCF-style: chr2-25384325-G-C.
Other names: c.429C>G, p.His143Gln (NM_001035256.3, NM_001319204.2, NM_001319205.2); c.429C>G (NM_000939.3); short protein forms H143Q.
Identifiers: ClinVar variation 451178 (VCV000451178.10), dbSNP rs201519174, ClinGen allele CA1555300.